The following is an entry in ClinVar:

ClinVar aggregate classification (germline): Conflicting classifications of pathogenicity. Review status: criteria provided, conflicting classifications (1 of 4 stars). 7 submissions from 7 submitters: Uncertain significance (6); Likely benign (1). Last evaluated 2025-09-28.

Conditions:
Hereditary cancer-predisposing syndrome. Also called: Hereditary neoplastic syndrome; Hereditary Cancer Syndrome; Neoplastic Syndromes, Hereditary; Tumor predisposition. Identifiers: Orphanet 140162, MedGen C0027672, MeSH D009386, MONDO:0015356.
Melanoma, cutaneous malignant, susceptibility to, 1 (CMM1). Also called: MELANOMA, MALIGNANT; DYSPLASTIC NEVUS SYNDROME, HEREDITARY; FAMILIAL ATYPICAL MOLE-MALIGNANT MELANOMA SYNDROME; B-K MOLE SYNDROME. Identifiers: Orphanet 618, MedGen C1835047, MONDO:0007963, OMIM 155600.
Peutz-Jeghers syndrome (PJS). Also called: Peutz-Jeghers polyposis; Periorificial lentiginosis syndrome; POLYPOSIS, HAMARTOMATOUS INTESTINAL; POLYPS-AND-SPOTS SYNDROME. Identifiers: Orphanet 2869, MedGen C0031269, MeSH D010580, MONDO:0008280, OMIM 175200.

Allele frequency attached by ClinVar (database versions not stated): gnomAD 0.00001; gnomAD exomes 0.00001.
gnomAD v4.1: 14 of 1,605,764 alleles (0.00087%); highest among the groups gnomAD compares: Non-Finnish European, 0.0012%; no homozygotes.

Submissions (7):

Labcorp Genetics (formerly Invitae), Labcorp
Classification: Likely benign for Peutz-Jeghers syndrome. Last evaluated: 2025-09-28. Review status: criteria provided, single submitter. Criteria: Invitae Variant Classification Sherloc (09022015). Collection method: clinical testing. Allele origin: germline.

Ambry Genetics
Classification: Uncertain significance for Hereditary cancer-predisposing syndrome. Last evaluated: 2024-07-06. Review status: criteria provided, single submitter. Criteria: Ambry Variant Classification Scheme 2023. Collection method: clinical testing. Allele origin: germline.
Comment: The p.S193A variant (also known as c.577T>G), located in coding exon 4 of the STK11 gene, results from a T to G substitution at nucleotide position 577. The serine at codon 193 is replaced by alanine, an amino acid with similar properties. This amino acid position is highly conserved in available vertebrate species. In addition, the in silico prediction for this alteration is inconclusive. Since supporting evidence is limited at this time, the clinical significance of this alteration remains unclear.

All of Us Research Program, National Institutes of Health
Classification: Uncertain significance for Peutz-Jeghers syndrome. Last evaluated: 2023-12-13. Review status: criteria provided, single submitter. Criteria: ACMG Guidelines, 2015. Collection method: clinical testing. Allele origin: germline. Inheritance: Autosomal dominant inheritance. Observed: 3 variant alleles, 3 heterozygotes.
Comment: This missense variant replaces serine with alanine at codon 193 of the STK11 protein. Computational prediction is inconclusive regarding the impact of this variant on protein structure and function (internally defined REVEL score threshold 0.5 < inconclusive < 0.7, PMID: 27666373). To our knowledge, functional studies have not been reported for this variant. This variant has not been reported in individuals affected with STK11-related disorders in the literature. This variant has been identified in 1/31330 chromosomes in the general population by the Genome Aggregation Database (gnomAD). The available evidence is insufficient to determine the role of this variant in disease conclusively. Therefore, this variant is classified as a Variant of Uncertain Significance.

This study involves interpretation of variants in research participants for the purpose of population health screening. Participant phenotype was not available at the time of variant classification. Additional details can be found in publication PMID: 35346344, PMCID: PMC8962531

Color Diagnostics, LLC DBA Color Health
Classification: Uncertain significance for Hereditary cancer-predisposing syndrome. Last evaluated: 2023-11-16. Review status: criteria provided, single submitter. Criteria: ACMG Guidelines, 2015. Collection method: clinical testing. Allele origin: germline.
Comment: This missense variant replaces serine with alanine at codon 193 of the STK11 protein. Computational prediction is inconclusive regarding the impact of this variant on protein structure and function. To our knowledge, functional studies have not been reported for this variant. This variant has not been reported in individuals affected with STK11-related disorders in the literature. This variant has been identified in 1/31330 chromosomes in the general population by the Genome Aggregation Database (gnomAD). The available evidence is insufficient to determine the role of this variant in disease conclusively. Therefore, this variant is classified as a Variant of Uncertain Significance.

Baylor Genetics
Classification: Uncertain significance for Melanoma, cutaneous malignant, susceptibility to, 1. Last evaluated: 2023-07-07. Review status: criteria provided, single submitter. Criteria: ACMG Guidelines, 2015. Collection method: clinical testing. Allele origin: unknown.

GeneDx
Classification: Uncertain significance. Last evaluated: 2022-10-28. Review status: criteria provided, single submitter. Criteria: GeneDx Variant Classification Process June 2021. Collection method: clinical testing. Allele origin: germline. Affected: yes.
Comment: Not observed at significant frequency in large population cohorts (gnomAD); In silico analysis supports that this missense variant does not alter protein structure/function; Has not been previously published as pathogenic or benign to our knowledge; This variant is associated with the following publications: (PMID: 15863673)

Genome-Nilou Lab
Classification: Uncertain significance for Peutz-Jeghers syndrome. Last evaluated: 2021-07-15. Review status: criteria provided, single submitter. Criteria: ACMG Guidelines, 2015. Collection method: clinical testing. Allele origin: germline. Affected: no.

NM_000455.5(STK11):c.577T>G (p.Ser193Ala)

Gene: STK11 (serine/threonine kinase 11; plus strand). Cytogenetic location: 19p13.3.
Variant type: single nucleotide variant.
Coding change: c.577T>G on transcript NM_000455.5 (MANE Select); coding-DNA position 577, T replaced by G.
Protein change: p.Ser193Ala; replaces serine 193 with alanine.
Molecular consequence: missense variant.
Genome position (GRCh38, 1-based): chr19:1,220,485, T>G. VCF-style: chr19-1220485-T-G. GRCh37 (hg19) VCF-style: chr19-1220484-T-G.
Other names: short protein forms S193A.
Identifiers: ClinVar variation 421064 (VCV000421064.18), dbSNP rs1064794883, ClinGen allele CA16620749.